The following is an entry in ClinVar:

NM_002335.4(LRP5):c.1633C>A (p.Leu545Ile)

Gene: LRP5 (LDL receptor related protein 5; plus strand). Cytogenetic location: 11q13.2.
Variant type: single nucleotide variant.
Coding change: c.1633C>A on transcript NM_002335.4 (MANE Select); coding-DNA position 1633, C replaced by A.
Protein change: p.Leu545Ile; replaces leucine 545 with isoleucine.
Molecular consequence: missense variant. On other transcripts: 5 prime UTR variant (1).
Genome position (GRCh38, 1-based): chr11:68,403,531, C>A. VCF-style: chr11-68403531-C-A. GRCh37 (hg19) VCF-style: chr11-68170999-C-A.
Other names: c.-305C>A (NM_001291902.2); short protein forms L545I.
Identifiers: ClinVar variation 3600198 (VCV003600198.2).

ClinVar aggregate classification (germline): Uncertain significance. Review status: criteria provided, multiple submitters, no conflicts (2 of 4 stars). 2 submissions from 2 submitters: Uncertain significance (2). Last evaluated 2025-03-20.

Conditions:
Polycystic liver disease 4 with or without kidney cysts. Identifiers: MedGen C4693479, MONDO:0044327, OMIM 617875.
Exudative vitreoretinopathy 4 (EVR4). Identifiers: Orphanet 891, MedGen C1866176, MONDO:0011151, OMIM 601813.
Worth disease. Also called: Autosomal dominant osteosclerosis, Worth type; ENDOSTEAL HYPEROSTOSIS, AUTOSOMAL DOMINANT; OSTEOSCLEROSIS, AUTOSOMAL DOMINANT. Identifiers: Orphanet 2790, MedGen C0432273, MONDO:0007764, OMIM 144750.
Bone mineral density quantitative trait locus 1 (BMND1). Identifiers: MedGen C1866079, OMIM 601884.
Autosomal dominant osteopetrosis 1 (OPTA1). Also called: OSTEOPETROSIS, AUTOSOMAL DOMINANT, TYPE I. Identifiers: Orphanet 2783, MedGen C1843330, MONDO:0011877, OMIM 607634.
Osteoporosis with pseudoglioma (OPPG). Also called: osteoporosis-pseudoglioma syndrome. Identifiers: Orphanet 2788, MedGen C0432252, MONDO:0009820, OMIM 259770.

gnomAD v4.1: 15 of 1,614,172 alleles (0.00093%); highest among the groups gnomAD compares: Non-Finnish European, 0.0013%; no homozygotes.

Submissions (2):

Labcorp Genetics (formerly Invitae), Labcorp
Classification: Uncertain significance. Last evaluated: 2025-03-20. Review status: criteria provided, single submitter. Criteria: Invitae Variant Classification Sherloc (09022015). Collection method: clinical testing. Allele origin: germline.
Comment: This sequence change replaces leucine, which is neutral and non-polar, with isoleucine, which is neutral and non-polar, at codon 545 of the LRP5 protein (p.Leu545Ile). This variant is present in population databases (rs762794790, gnomAD 0.002%). This variant has not been reported in the literature in individuals affected with LRP5-related conditions. ClinVar contains an entry for this variant (Variation ID: 3600198). An algorithm developed to predict the effect of missense changes on protein structure and function outputs the following: PolyPhen-2: "Benign". The isoleucine amino acid residue is found in multiple mammalian species, which suggests that this missense change does not adversely affect protein function. In summary, the available evidence is currently insufficient to determine the role of this variant in disease. Therefore, it has been classified as a Variant of Uncertain Significance.

Fulgent Genetics
Classification: Uncertain significance for Worth disease; Osteoporosis with pseudoglioma; Exudative vitreoretinopathy 4; Bone mineral density quantitative trait locus 1; Autosomal dominant osteopetrosis 1; Polycystic liver disease 4 with or without kidney cysts. Last evaluated: 2024-05-21. Review status: criteria provided, single submitter. Criteria: ACMG Guidelines, 2015. Collection method: clinical testing. Allele origin: germline.